The following is an entry in ClinVar:

ClinVar aggregate classification (germline): Uncertain significance (1 of 4 stars; one submission).

Conditions:
Combined immunodeficiency due to DOCK8 deficiency (HIES2). Also called: HIES autosomal recessive; HYPER-IgE RECURRENT INFECTION SYNDROME 2, AUTOSOMAL RECESSIVE; HYPER-IgE SYNDROME 2, AUTOSOMAL RECESSIVE, WITH RECURRENT INFECTIONS; DOCK8 Deficiency; Hyper-IgE recurrent infection syndrome, autosomal recessive. Identifiers: Orphanet 217390, MedGen C4722305, MONDO:0009478, OMIM 243700.

Submission:

Labcorp Genetics (formerly Invitae), Labcorp
Classification: Uncertain significance for Combined immunodeficiency due to DOCK8 deficiency. Last evaluated: 2023-09-23. Review status: criteria provided, single submitter. Criteria: Invitae Variant Classification Sherloc (09022015). Collection method: clinical testing. Allele origin: germline.
Comment: This sequence change replaces threonine, which is neutral and polar, with serine, which is neutral and polar, at codon 274 of the DOCK8 protein (p.Thr274Ser). This variant is not present in population databases (gnomAD no frequency). This variant has not been reported in the literature in individuals affected with DOCK8-related conditions. Advanced modeling of protein sequence and biophysical properties (such as structural, functional, and spatial information, amino acid conservation, physicochemical variation, residue mobility, and thermodynamic stability) performed at Invitae indicates that this missense variant is not expected to disrupt DOCK8 protein function. In summary, the available evidence is currently insufficient to determine the role of this variant in disease. Therefore, it has been classified as a Variant of Uncertain Significance.

NM_203447.4(DOCK8):c.821C>G (p.Thr274Ser)

Gene: DOCK8 (dedicator of cytokinesis 8; plus strand). Cytogenetic location: 9p24.3.
Variant type: single nucleotide variant.
Coding change: c.821C>G on transcript NM_203447.4 (MANE Select); coding-DNA position 821, C replaced by G.
Protein change: p.Thr274Ser; replaces threonine 274 with serine.
Molecular consequence: missense variant.
Genome position (GRCh38, 1-based): chr9:317,122, C>G. VCF-style: chr9-317122-C-G. GRCh37 (hg19) VCF-style: chr9-317122-C-G.
Other names: c.617C>G, p.Thr206Ser (NM_001190458.2, NM_001193536.2); short protein forms T206S, T274S.
Identifiers: ClinVar variation 2974871 (VCV002974871.3), dbSNP rs2537828415, ClinGen allele CA372762026.